The following is an entry in ClinVar:

GRCh38/hg38 17q25.3(chr17:78338863-78426117)x3

Genes: DNAH17 (dynein axonemal heavy chain 17; minus strand), PGS1 (phosphatidylglycerophosphate synthase 1; plus strand), SOCS3 (suppressor of cytokine signaling 3; minus strand), SOCS3-DT (SOCS3 divergent transcript; plus strand), LOC105371912 (uncharacterized LOC105371912; plus strand) and 14 more. Cytogenetic location: 17q25.3.
Variant type: copy number gain.
Change: copy number 3 (three copies instead of two) of chr17:78,338,863-78,426,117 (87.3 kb, GRCh38 coordinates, 1-based), cytogenetic band 17q25.3.
Identifiers: ClinVar variation 60174 (VCV000060174.1).

ClinVar aggregate classification (germline): Uncertain significance (1 of 4 stars; one submission).

Submission:

ISCA site 15
Classification: Uncertain significance. Last evaluated: 2011-08-12. Review status: criteria provided, single submitter. Criteria: Kaminsky et al. (Genet Med. 2011). Collection method: clinical testing. Allele origin: unknown. Affected: yes. Observed: 1 variant allele.
Comment: Copy number variation identified through the course of routine clinical cytogenomic testing in postnatal populations. Clinical assertions have been curated as described in Kaminsky et al. 2011.